The following is an entry in ClinVar:

NM_000384.3(APOB):c.12464T>A (p.Leu4155Gln)

Gene: APOB (apolipoprotein B; minus strand). Cytogenetic location: 2p24.1.
Variant type: single nucleotide variant.
Coding change: c.12464T>A on transcript NM_000384.3 (MANE Select); coding-DNA position 12464, T replaced by A.
Protein change: p.Leu4155Gln; replaces leucine 4155 with glutamine.
Molecular consequence: missense variant.
Genome position (GRCh38, 1-based): chr2:21,002,958, A>T on the plus strand (T>A on the coding strand, the complement: APOB is on the minus strand). VCF-style: chr2-21002958-A-T. GRCh37 (hg19) VCF-style: chr2-21225830-A-T.
Other names: short protein forms L4155Q.
Identifiers: ClinVar variation 4613711 (VCV004613711.3).

ClinVar aggregate classification (germline): Conflicting classifications of pathogenicity. Review status: criteria provided, conflicting classifications (1 of 4 stars). 2 submissions from 2 submitters: Uncertain significance (1); Likely benign (1). Last evaluated 2026-08-03.

Conditions:
Familial hypobetalipoproteinemia 1. Also called: APOB-Related Familial Hypobetalipoproteinemia; Hypobetalipoproteinemia, normotriglyceridemic; Acanthocytosis with hypobetalipoproteinemia. Identifiers: MedGen C4551990, MONDO:0014252, OMIM 615558.
Hypercholesterolemia, autosomal dominant, type B (FHCL2). Also called: Familial Hypercholesterolemia Type B; APOLIPOPROTEIN B-100, FAMILIAL DEFECTIVE; APOLIPOPROTEIN B-100, FAMILIAL LIGAND-DEFECTIVE; HYPERCHOLESTEROLEMIA, FAMILIAL, DUE TO LIGAND-DEFECTIVE APOLIPOPROTEIN B; Hyperlipoproteinemia Type IIb; Familial hypercholesterolemia 2. Identifiers: MedGen C1704417, MONDO:0007751, OMIM 144010.
Cardiovascular phenotype. Identifiers: MedGen CN230736.

Submissions (2):

Ambry Genetics
Classification: Uncertain significance for Cardiovascular phenotype. Last evaluated: 2026-08-03. Review status: criteria provided, single submitter. Criteria: Ambry Variant Classification Scheme 2023. Collection method: clinical testing. Allele origin: germline.
Comment: The p.L4155Q variant (also known as c.12464T>A), located in coding exon 29 of the APOB gene, results from a T to A substitution at nucleotide position 12464. The leucine at codon 4155 is replaced by glutamine, an amino acid with dissimilar properties. This amino acid position is conserved. In addition, this alteration is predicted to be tolerated by in silico analysis. Based on the available evidence, the clinical significance of this variant remains unclear.

Labcorp Genetics (formerly Invitae), Labcorp
Classification: Likely benign for Familial hypobetalipoproteinemia 1; Hypercholesterolemia, autosomal dominant, type B. Last evaluated: 2025-04-23. Review status: criteria provided, single submitter. Criteria: Invitae Variant Classification Sherloc (09022015). Collection method: clinical testing. Allele origin: germline.